The following is an entry in ClinVar:

ClinVar aggregate classification (germline): Likely pathogenic (1 of 4 stars; one submission).

Conditions:
Dilated cardiomyopathy 1G (CMD1G). Identifiers: Orphanet 154, MedGen C1858763, MONDO:0011400, OMIM 604145.
Autosomal recessive limb-girdle muscular dystrophy type 2J (LGMDR10). Also called: Limb-girdle muscular dystrophy, type 2J; MUSCULAR DYSTROPHY, LIMB-GIRDLE, AUTOSOMAL RECESSIVE 10. Identifiers: Orphanet 140922, MedGen C1837342, MONDO:0012127, OMIM 608807.

Submission:

Labcorp Genetics (formerly Invitae), Labcorp
Classification: Likely pathogenic for Dilated cardiomyopathy 1G; Autosomal recessive limb-girdle muscular dystrophy type 2J. Last evaluated: 2020-12-19. Review status: criteria provided, single submitter. Criteria: Invitae Variant Classification Sherloc (09022015). Collection method: clinical testing. Allele origin: germline.
Comment: This sequence change results in a premature translational stop signal in the TTN gene (p.Thr23545Hisfs*3). While this is not anticipated to result in nonsense mediated decay, it is expected to create a truncated TTN protein. This variant is not present in population databases (ExAC no frequency). This variant has not been reported in the literature in individuals with TTN-related conditions. This variant is located in the A band of TTN (PMID: 25589632). Truncating variants in this region are significantly overrepresented in patients affected with dilated cardiomyopathy (PMID: 25589632). Truncating variants in this region have also been reported in individuals affected with autosomal recessive centronuclear myopathy (PMID: 23975875). In summary, the currently available evidence indicates that the variant is pathogenic, but additional data are needed to prove that conclusively. Therefore, this variant has been classified as Likely Pathogenic.

Literature cited by the submitters: PubMed 25589632; PubMed 23975875.

NM_001267550.2(TTN):c.70629_70632dup (p.Thr23545fs)

Genes: TTN (titin; minus strand), TTN-AS1 (TTN antisense RNA 1; plus strand), LOC126806422 (BRD4-independent group 4 enhancer GRCh37_chr2:179440205-179441404; plus strand). Cytogenetic location: 2q31.2.
Variant type: Duplication.
Coding change: c.70629_70632dup on transcript NM_001267550.2 (MANE Select); coding-DNA positions 70629 to 70632, 4 bases duplicated (CATA; older notation c.70629_70632dupCATA).
Protein change: p.Thr23545fs; shifts the reading frame from threonine 23545.
Molecular consequence: frameshift variant.
Genome position (GRCh38, 1-based): chr2:178,575,500-178,575,503, TATG duplicated on the plus strand (CATA on the coding strand, the reverse complement: TTN is on the minus strand); duplicating any 4 consecutive bases within chr2:178,575,500-178,575,504 gives the same sequence; the c. name uses the placement nearest the transcript's 3' end. VCF-style (leftmost placement, unchanged base first): chr2-178575499-T-TTATG. GRCh37 (hg19) VCF-style: chr2-179440226-T-TTATG.
Other names: c.65706_65709dup, p.Thr21904fs (NM_001256850.1); c.43434_43437dup, p.Thr14480fs (NM_003319.4); c.62925_62928dup, p.Thr20977fs (NM_133378.4); c.43809_43812dup, p.Thr14605fs (NM_133432.3); c.44010_44013dup, p.Thr14672fs (NM_133437.4); short protein forms T14480fs, T14605fs, T14672fs, T20977fs, T21904fs, T23545fs.
Identifiers: ClinVar variation 1067719 (VCV001067719.9), dbSNP rs2154172318, ClinGen allele CA2499215364.